The following is an entry in ClinVar:

NM_052947.4(ALPK2):c.2813G>C (p.Gly938Ala)

Gene: ALPK2 (alpha kinase 2; minus strand). Cytogenetic location: 18q21.31.
Variant type: single nucleotide variant.
Coding change: c.2813G>C on transcript NM_052947.4 (MANE Select); coding-DNA position 2813, G replaced by C.
Protein change: p.Gly938Ala; replaces glycine 938 with alanine.
Molecular consequence: missense variant.
Genome position (GRCh38, 1-based): chr18:58,537,374, C>G on the plus strand (G>C on the coding strand, the complement: ALPK2 is on the minus strand). VCF-style: chr18-58537374-C-G. GRCh37 (hg19) VCF-style: chr18-56204606-C-G.
Other names: short protein forms G938A.
Identifiers: ClinVar variation 1796353 (VCV001796353.2), dbSNP rs2518877221, ClinGen allele CA402569721.

ClinVar aggregate classification (germline): Uncertain significance (1 of 4 stars; one submission).

Allele frequency attached by ClinVar (database versions not stated): gnomAD exomes below 0.00001.
gnomAD v4.1: 2 of 1,614,022 alleles (0.00012%); highest among the groups gnomAD compares: Admixed American, 0.0017%; no homozygotes.

Submission:

Ambry Genetics
Classification: Uncertain significance. Last evaluated: 2021-11-23. Review status: criteria provided, single submitter. Criteria: Ambry Variant Classification Scheme 2023. Collection method: clinical testing. Allele origin: germline.
Comment: The p.G938A variant (also known as c.2813G>C), located in coding exon 4 of the ALPK2 gene, results from a G to C substitution at nucleotide position 2813. The glycine at codon 938 is replaced by alanine, an amino acid with similar properties. This amino acid position is conserved. In addition, this alteration is predicted to be tolerated by in silico analysis. Since supporting evidence is limited at this time, the clinical significance of this alteration remains unclear.